The following is an entry in ClinVar:

NM_001393586.1(MYO7B):c.5141C>T (p.Pro1714Leu)

Gene: MYO7B (myosin VIIB; plus strand). Cytogenetic location: 2q14.3.
Variant type: single nucleotide variant.
Coding change: c.5141C>T on transcript NM_001393586.1 (MANE Select); coding-DNA position 5141, C replaced by T.
Protein change: p.Pro1714Leu; replaces proline 1714 with leucine.
Molecular consequence: missense variant.
Genome position (GRCh38, 1-based): chr2:127,631,645, C>T. VCF-style: chr2-127631645-C-T. GRCh37 (hg19) VCF-style: chr2-128389220-C-T.
Other names: c.5063C>T, p.Pro1688Leu (NM_001080527.2); c.1622C>T, p.Pro541Leu (NM_001393594.1); short protein forms P1688L, P1714L, P541L.
Identifiers: ClinVar variation 1327411 (VCV001327411.3), dbSNP rs551533460, ClinGen allele CA1862156.

ClinVar aggregate classification (germline): Uncertain significance (1 of 4 stars; one submission).

Allele frequency attached by ClinVar (database versions not stated): gnomAD exomes 0.00001 and 0.00004; ExAC 0.00002; TOPMed 0.00004; gnomAD 0.00005 and 0.00006; 1000 Genomes Project 30x 0.00016; 1000 Genomes Project 0.00020.
gnomAD v4.1: 21 of 1,613,058 alleles (0.0013%); highest among the groups gnomAD compares: Admixed American, 0.03%; no homozygotes.

Submission:

Ambry Genetics
Classification: Uncertain significance. Last evaluated: 2024-10-29. Review status: criteria provided, single submitter. Criteria: Ambry Variant Classification Scheme 2023. Collection method: clinical testing. Allele origin: germline.